The following is an entry in ClinVar:

NM_001008537.3(NEXMIF):c.875A>G (p.Asp292Gly)

Gene: NEXMIF (neurite extension and migration factor; minus strand). Cytogenetic location: Xq13.3.
Variant type: single nucleotide variant.
Coding change: c.875A>G on transcript NM_001008537.3 (MANE Select); coding-DNA position 875, A replaced by G.
Protein change: p.Asp292Gly; replaces aspartic acid 292 with glycine.
Molecular consequence: missense variant.
Genome position (GRCh38, 1-based): chrX:74,743,682, T>C on the plus strand (A>G on the coding strand, the complement: NEXMIF is on the minus strand). VCF-style: chrX-74743682-T-C. GRCh37 (hg19) VCF-style: chrX-73963517-T-C.
Other names: short protein forms D292G.
Identifiers: ClinVar variation 858201 (VCV000858201.9), dbSNP rs2080115926, ClinGen allele CA413672174.

ClinVar aggregate classification (germline): Uncertain significance (1 of 4 stars; one submission).

Allele frequency attached by ClinVar (database versions not stated): gnomAD exomes below 0.00001.
gnomAD v4.1: 1 of 1,211,427 alleles (0.000083%); highest among the groups gnomAD compares: Non-Finnish European, 0.00011%; no homozygotes.

Submission:

Labcorp Genetics (formerly Invitae), Labcorp
Classification: Uncertain significance. Last evaluated: 2022-11-01. Review status: criteria provided, single submitter. Criteria: Invitae Variant Classification Sherloc (09022015). Collection method: clinical testing. Allele origin: germline.
Comment: This sequence change replaces aspartic acid, which is acidic and polar, with glycine, which is neutral and non-polar, at codon 292 of the NEXMIF protein (p.Asp292Gly). In summary, the available evidence is currently insufficient to determine the role of this variant in disease. Therefore, it has been classified as a Variant of Uncertain Significance. Algorithms developed to predict the effect of missense changes on protein structure and function are either unavailable or do not agree on the potential impact of this missense change (SIFT: "Deleterious"; PolyPhen-2: "Probably Damaging"; Align-GVGD: "Class C15"). ClinVar contains an entry for this variant (Variation ID: 858201). This variant has not been reported in the literature in individuals affected with NEXMIF-related conditions. This variant is not present in population databases (gnomAD no frequency).